The following is an entry in ClinVar:

ClinVar aggregate classification (germline): Uncertain significance (1 of 4 stars; one submission).

Submission:

CeGaT Center for Human Genetics Tuebingen
Classification: Uncertain significance. Last evaluated: 2026-09-01. Review status: criteria provided, single submitter. Criteria: CeGaT Center For Human Genetics Tuebingen Variant Classification Criteria Version 2. Collection method: clinical testing. Allele origin: germline. Affected: yes. Observed: 1 variant allele.
Comment: COL5A2: PM2

NM_000393.5(COL5A2):c.2661+6T>A

Gene: COL5A2 (collagen type V alpha 2 chain; minus strand). Cytogenetic location: 2q32.2.
Variant type: single nucleotide variant.
Coding change: c.2661+6T>A on transcript NM_000393.5 (MANE Select); 6 bases into the intron after coding-DNA position 2661, T replaced by A.
Molecular consequence: intron variant.
Genome position (GRCh38, 1-based): chr2:189,052,905, A>T on the plus strand (T>A on the coding strand, the complement: COL5A2 is on the minus strand). VCF-style: chr2-189052905-A-T. GRCh37 (hg19) VCF-style: chr2-189917631-A-T.
Identifiers: ClinVar variation 5041398 (VCV005041398.1).